The following is an entry in ClinVar:

NM_001346754.2(PIGW):c.394T>G (p.Phe132Val)

Genes: MYO19 (myosin XIX; minus strand), PIGW (phosphatidylinositol glycan anchor biosynthesis class W; plus strand). Cytogenetic location: 17q12.
Variant type: single nucleotide variant.
Coding change: c.394T>G on transcript NM_001346754.2 (MANE Select); coding-DNA position 394, T replaced by G.
Protein change: p.Phe132Val; replaces phenylalanine 132 with valine.
Molecular consequence: missense variant.
Genome position (GRCh38, 1-based): chr17:36,537,495, T>G. VCF-style: chr17-36537495-T-G. GRCh37 (hg19) VCF-style: chr17-34893344-T-G.
Other names: c.394T>G, p.Phe132Val (NM_001346755.2, NM_178517.5); short protein forms F132V.
Identifiers: ClinVar variation 4856012 (VCV004856012.1).

ClinVar aggregate classification (germline): Uncertain significance (1 of 4 stars; one submission).

Conditions:
Hyperphosphatasia with intellectual disability syndrome 5 (GPIBD11). Also called: GLYCOSYLPHOSPHATIDYLINOSITOL BIOSYNTHESIS DEFECT 11. Identifiers: Orphanet 247262, MedGen C4014958, MONDO:0014457, OMIM 616025.

gnomAD v4.1: 1 of 1,614,200 alleles (0.000062%); highest among the groups gnomAD compares: Admixed American, 0.0017%; no homozygotes.

Submission:

3billion
Classification: Uncertain significance for Hyperphosphatasia with intellectual disability syndrome 5. Last evaluated: 2025-06-11. Review status: criteria provided, single submitter. Criteria: ACMG Guidelines, 2015. Collection method: clinical testing. Allele origin: germline. Affected: yes.
Comment: The variant is observed at an extremely low frequency in the gnomAD v4.1.0 dataset (total allele frequency: <0.001%). Predicted Consequence/Location: Missense variant. Missense changes are a common disease-causing mechanism. In silico tool predictions suggest no damaging effect of the variant on gene or gene product [REVEL: 0.17 (<0.4); 3Cnet: 0.00 (<0.1, specificity 0.84 and negative predicitive value 0.97)]. The variant is in trans with the other variant. Therefore, this variant is classified as VUS according to the recommendation of ACMG/AMP guideline.